The following is an entry in ClinVar:

ClinVar aggregate classification (germline): Conflicting classifications of pathogenicity. Review status: criteria provided, conflicting classifications (1 of 4 stars). 4 submissions from 4 submitters: Uncertain significance (3); Likely benign (1). Last evaluated 2025-12-20.

Conditions:
Hereditary cancer-predisposing syndrome. Also called: Neoplastic Syndromes, Hereditary; Tumor predisposition; Hereditary neoplastic syndrome; Hereditary Cancer Syndrome. Identifiers: Orphanet 140162, MedGen C0027672, MeSH D009386, MONDO:0015356.
Hereditary breast ovarian cancer syndrome. Also called: Breast and ovarian cancer; BRCA1- and BRCA2-Associated Hereditary Breast and Ovarian Cancer; Hereditary breast and ovarian cancer; Hereditary breast and/or ovarian cancer syndrome; Hereditary breast and ovarian cancer syndrome; Hereditary breast and ovarian cancer syndrome (HBOC). Identifiers: Orphanet 145, MedGen C0677776, MeSH D061325, MONDO:0003582. Disease mechanism: loss of function.

Submissions (4):

Ambry Genetics
Classification: Uncertain significance for Hereditary cancer-predisposing syndrome. Last evaluated: 2025-12-20. Review status: criteria provided, single submitter. Criteria: Ambry Variant Classification Scheme 2023. Collection method: clinical testing. Allele origin: germline.
Comment: The p.T1378I variant (also known as c.4133C>T), located in coding exon 10 of the BRCA2 gene, results from a C to T substitution at nucleotide position 4133. The threonine at codon 1378 is replaced by isoleucine, an amino acid with similar properties. This amino acid position is not well conserved in available vertebrate species. In addition, this alteration is predicted to be tolerated by in silico analysis. Since supporting evidence is limited at this time, the clinical significance of this alteration remains unclear.

Labcorp Genetics (formerly Invitae), Labcorp
Classification: Uncertain significance for Hereditary breast ovarian cancer syndrome. Last evaluated: 2024-12-02. Review status: criteria provided, single submitter. Criteria: Invitae Variant Classification Sherloc (09022015). Collection method: clinical testing. Allele origin: germline.
Comment: This sequence change replaces threonine, which is neutral and polar, with isoleucine, which is neutral and non-polar, at codon 1378 of the BRCA2 protein (p.Thr1378Ile). This variant is not present in population databases (gnomAD no frequency). This variant has not been reported in the literature in individuals affected with BRCA2-related conditions. ClinVar contains an entry for this variant (Variation ID: 441457). Invitae Evidence Modeling of protein sequence and biophysical properties (such as structural, functional, and spatial information, amino acid conservation, physicochemical variation, residue mobility, and thermodynamic stability) indicates that this missense variant is not expected to disrupt BRCA2 protein function with a negative predictive value of 95%. In summary, the available evidence is currently insufficient to determine the role of this variant in disease. Therefore, it has been classified as a Variant of Uncertain Significance.

University of Washington Department of Laboratory Medicine, University of Washington
Classification: Likely benign for Hereditary cancer-predisposing syndrome. Last evaluated: 2023-03-23. Review status: criteria provided, single submitter. Criteria: Dines et al. (Genet Med. 2020). Collection method: curation. Allele origin: germline.
Comment: Missense variant in a coldspot region where missense variants are very unlikely to be pathogenic (PMID:31911673).

BRCA2 exon 11 coldspot. Reclassification based on statistical prior probability.

Color Diagnostics, LLC DBA Color Health
Classification: Uncertain significance for Hereditary cancer-predisposing syndrome. Last evaluated: 2020-11-05. Review status: criteria provided, single submitter. Criteria: ACMG Guidelines, 2015. Collection method: clinical testing. Allele origin: germline.
Comment: This missense variant replaces threonine with isoleucine at codon 1378 of the BRCA2 protein. Computational prediction suggests that this variant may not impact protein structure and function (internally defined REVEL score threshold <= 0.5, PMID: 27666373). To our knowledge, functional studies have not been reported for this variant. This variant has not been reported in individuals affected with hereditary cancer in the literature. This variant has not been identified in the general population by the Genome Aggregation Database (gnomAD). The available evidence is insufficient to determine the role of this variant in disease conclusively. Therefore, this variant is classified as a Variant of Uncertain Significance.

NM_000059.4(BRCA2):c.4133C>T (p.Thr1378Ile)

Gene: BRCA2 (BRCA2 DNA repair associated; plus strand). Cytogenetic location: 13q13.1.
Variant type: single nucleotide variant.
Coding change: c.4133C>T on transcript NM_000059.4 (MANE Select); coding-DNA position 4133, C replaced by T.
Protein change: p.Thr1378Ile; replaces threonine 1378 with isoleucine.
Molecular consequence: missense variant.
Genome position (GRCh38, 1-based): chr13:32,338,488, C>T. VCF-style: chr13-32338488-C-T. GRCh37 (hg19) VCF-style: chr13-32912625-C-T.
Other names: short protein forms T1378I.
Identifiers: ClinVar variation 441457 (VCV000441457.13), dbSNP rs945880747, ClinGen allele CA387779384.
Genomic context (GRCh38, chr13:32,338,488, plus strand): 5'-TTACTGATCAGCACAACATATGTCTTAAATTATCTGGCCAGTTTATGAAGGAGGGAAACA[C>T]TCAGATTAAAGAAGATTTGTCAGATTTAACTTTTTTGGAAGTTGCGAAAGCTCAAGAAGC-3'
Protein context (NP_000050.3, residues 1368-1388): LSGQFMKEGN[Thr1378Ile]QIKEDLSDLT